The following is an entry in ClinVar:

NM_002529.4(NTRK1):c.1706_1707dup (p.Gln570fs)

Gene: NTRK1 (neurotrophic receptor tyrosine kinase 1; plus strand). Cytogenetic location: 1q23.1.
Variant type: Duplication.
Coding change: c.1706_1707dup on transcript NM_002529.4 (MANE Select); coding-DNA positions 1706 to 1707, 2 bases duplicated (AC; older notation c.1706_1707dupAC).
Protein change: p.Gln570fs; shifts the reading frame from glutamine 570.
Molecular consequence: frameshift variant.
Genome position (GRCh38, 1-based): chr1:156,876,473-156,876,474, AC duplicated; duplicating any 2 consecutive bases within chr1:156,876,472-156,876,474 gives the same sequence; the c. name uses the placement nearest the transcript's 3' end. VCF-style (leftmost placement, unchanged base first): chr1-156876471-G-GCA. GRCh37 (hg19) VCF-style: chr1-156846263-G-GCA.
Other names: c.1706_1707dup, p.Gln570Thrfs (NM_001007204.1); c.1598_1599dup, p.Gln534fs (NM_001007792.1); c.1688_1689dup, p.Gln564fs (NM_001012331.2); short protein forms Q534fs, Q564fs, Q570fs.
Identifiers: ClinVar variation 2158794 (VCV002158794.4), dbSNP rs781055610, ClinGen allele CA1169441.

ClinVar aggregate classification (germline): Pathogenic (1 of 4 stars; one submission).

Conditions:
Hereditary insensitivity to pain with anhidrosis (CIPA). Also called: FAMILIAL DYSAUTONOMIA, TYPE II; HSAN Type IV; NTRK1 Congenital Insensitivity to Pain with Anhidrosis; INSENSITIVITY TO PAIN, CONGENITAL, WITH ANHIDROSIS; hereditary sensory and autonomic neuropathy type 4; NEUROPATHY, CONGENITAL SENSORY, WITH ANHIDROSIS. Identifiers: Orphanet 642, MedGen C0020074, MONDO:0009746, OMIM 256800.

Submission:

Labcorp Genetics (formerly Invitae), Labcorp
Classification: Pathogenic for Hereditary insensitivity to pain with anhidrosis. Last evaluated: 2024-09-02. Review status: criteria provided, single submitter. Criteria: Invitae Variant Classification Sherloc (09022015). Collection method: clinical testing. Allele origin: germline.
Comment: This sequence change creates a premature translational stop signal (p.Gln564Thrfs*89) in the NTRK1 gene. It is expected to result in an absent or disrupted protein product. Loss-of-function variants in NTRK1 are known to be pathogenic (PMID: 10982191). This variant is not present in population databases (gnomAD no frequency). This variant has not been reported in the literature in individuals affected with NTRK1-related conditions. ClinVar contains an entry for this variant (Variation ID: 2158794). For these reasons, this variant has been classified as Pathogenic.

Literature cited by the submitters: PubMed 10982191.